The following is an entry in ClinVar:

NM_001876.3(CPT1A):c.(?_1744)_2107del

Gene: CPT1A (carnitine palmitoyltransferase 1A; minus strand). Cytogenetic location: 11q13.3.
Variant type: Deletion.
Other names: 8-KB DEL.
Identifiers: ClinVar variation 9068 (VCV000009068.4).

ClinVar aggregate classification (germline): Pathogenic. Review status: no assertion criteria provided (0 of 4 stars). 2 submissions from 2 submitters: Pathogenic (2). Last evaluated 2013-03-07.

Conditions:
Carnitine palmitoyl transferase 1A deficiency. Also called: Carnitine palmitoyltransferase 1A deficiency; Carnitine palmitoyltransferase type I deficiency; CPT I DEFICIENCY; CPT DEFICIENCY, HEPATIC, TYPE I; CPT deficiency, hepatic, type IA. Identifiers: Orphanet 156, MedGen C1829703, MONDO:0009705, OMIM 255120.

Submissions (2):

GeneReviews
Classification: Pathogenic for Carnitine Palmitoyltransferase IA Deficiency. Last evaluated: 2013-03-07. Review status: no assertion criteria provided. Collection method: curation. Allele origin: unknown.
ClinVar note: Converted during submission from pathologic to Pathogenic.

OMIM
Classification: Pathogenic for CARNITINE PALMITOYLTRANSFERASE IA DEFICIENCY. Last evaluated: 2002-08-01. Review status: no assertion criteria provided. Collection method: literature only. Allele origin: germline.

Literature cited by the submitters: PubMed 12189492 (cited by OMIM).